The following is an entry in ClinVar:

ClinVar aggregate classification (germline): Uncertain significance (1 of 4 stars; one submission).

Submission:

Labcorp Genetics (formerly Invitae), Labcorp
Classification: Uncertain significance. Last evaluated: 2024-06-30. Review status: criteria provided, single submitter. Criteria: Invitae Variant Classification Sherloc (09022015). Collection method: clinical testing. Allele origin: germline.
Comment: This sequence change replaces alanine, which is neutral and non-polar, with threonine, which is neutral and polar, at codon 290 of the RPSA protein (p.Ala290Thr). This variant is not present in population databases (gnomAD no frequency). This variant has not been reported in the literature in individuals affected with RPSA-related conditions. Algorithms developed to predict the effect of missense changes on protein structure and function output the following: SIFT: "Not Available"; PolyPhen-2: "Benign"; Align-GVGD: "Not Available". The threonine amino acid residue is found in multiple mammalian species, which suggests that this missense change does not adversely affect protein function. In summary, the available evidence is currently insufficient to determine the role of this variant in disease. Therefore, it has been classified as a Variant of Uncertain Significance.

NM_002295.6(RPSA):c.868G>A (p.Ala290Thr)

Gene: RPSA (ribosomal protein SA; plus strand). Cytogenetic location: 3p22.1.
Variant type: single nucleotide variant.
Coding change: c.868G>A on transcript NM_002295.6 (MANE Select); coding-DNA position 868, G replaced by A.
Protein change: p.Ala290Thr; replaces alanine 290 with threonine.
Molecular consequence: missense variant.
Genome position (GRCh38, 1-based): chr3:39,412,348, G>A. VCF-style: chr3-39412348-G-A. GRCh37 (hg19) VCF-style: chr3-39453839-G-A.
Other names: c.883G>A, p.Ala295Thr (NM_001304288.2); short protein forms A295T, A290T.
Identifiers: ClinVar variation 3679302 (VCV003679302.2).